The following is an entry in ClinVar:

ClinVar aggregate classification (germline): Uncertain significance (1 of 4 stars; one submission).

Conditions:
Familial cancer of breast. Also called: BREAST CANCER, FAMILIAL; Hereditary breast cancer; hereditary breast carcinoma. Identifiers: Orphanet 227535, MedGen C0346153, MONDO:0016419, OMIM 114480. Disease mechanism: loss of function.

gnomAD v4.1: 1 of 1,613,988 alleles (0.000062%); highest among the groups gnomAD compares: Non-Finnish European, 0.000085%; no homozygotes.

Submission:

Labcorp Genetics (formerly Invitae), Labcorp
Classification: Uncertain significance for Familial cancer of breast. Last evaluated: 2025-09-10. Review status: criteria provided, single submitter. Criteria: Invitae Variant Classification Sherloc (09022015). Collection method: clinical testing. Allele origin: germline.
Comment: This sequence change replaces glycine, which is neutral and non-polar, with alanine, which is neutral and non-polar, at codon 681 of the BARD1 protein (p.Gly681Ala). This variant is not present in population databases (gnomAD no frequency). This variant has not been reported in the literature in individuals affected with BARD1-related conditions. An algorithm developed to predict the effect of missense changes on protein structure and function (PolyPhen-2) suggests that this variant is likely to be disruptive. In summary, the available evidence is currently insufficient to determine the role of this variant in disease. Therefore, it has been classified as a Variant of Uncertain Significance.

NM_000465.4(BARD1):c.2042G>C (p.Gly681Ala)

Gene: BARD1 (BRCA1 associated RING domain 1; minus strand). Cytogenetic location: 2q35.
Variant type: single nucleotide variant.
Coding change: c.2042G>C on transcript NM_000465.4 (MANE Select); coding-DNA position 2042, G replaced by C.
Protein change: p.Gly681Ala; replaces glycine 681 with alanine.
Molecular consequence: missense variant. On other transcripts: non-coding transcript variant (3).
Genome position (GRCh38, 1-based): chr2:214,728,968, C>G on the plus strand (G>C on the coding strand, the complement: BARD1 is on the minus strand). VCF-style: chr2-214728968-C-G. GRCh37 (hg19) VCF-style: chr2-215593692-C-G.
Other names: c.1985G>C, p.Gly662Ala (NM_001282543.2); c.689G>C, p.Gly230Ala (NM_001282545.2); c.632G>C, p.Gly211Ala (NM_001282548.2); c.503G>C, p.Gly168Ala (NM_001282549.2); short protein forms G168A, G211A, G230A, G662A, G681A.
Identifiers: ClinVar variation 4804145 (VCV004804145.1).